The following is an entry in ClinVar:

NM_000222.3(KIT):c.753_756del (p.Ser251fs)

Gene: KIT (KIT proto-oncogene, receptor tyrosine kinase; plus strand). Cytogenetic location: 4q12.
Variant type: Deletion.
Coding change: c.753_756del on transcript NM_000222.3 (MANE Select); coding-DNA positions 753 to 756, 4 bases deleted (TCAG; older notation c.753_756delTCAG).
Protein change: p.Ser251fs; shifts the reading frame from serine 251.
Molecular consequence: frameshift variant.
Genome position (GRCh38, 1-based): chr4:54,699,763-54,699,766, TCAG deleted; deleting any 4 consecutive bases within chr4:54,699,760-54,699,766 gives the same sequence; the c. name uses the placement nearest the transcript's 3' end. VCF-style (leftmost placement, unchanged base first): chr4-54699759-ACAGT-A. GRCh37 (hg19) VCF-style: chr4-55565925-ACAGT-A.
Other names: c.753_756del, p.Ser251fs (NM_001093772.2, NM_001385285.1, NM_001385286.1); c.753_756del, p.Gln252fs (NM_001385284.1, NM_001385288.1, NM_001385290.1 and 1 more transcripts); c.753_756delTCAG (NM_000222.2); short protein forms S251fs, Q252fs.
Identifiers: ClinVar variation 458966 (VCV000458966.15), dbSNP rs1553887960, ClinGen allele CA658655848.

ClinVar aggregate classification (germline): Conflicting classifications of pathogenicity. Review status: criteria provided, conflicting classifications (1 of 4 stars). 4 submissions from 4 submitters: Pathogenic (3); Likely benign (1). Last evaluated 2025-10-23.

Conditions:
KIT-related disorder. Also called: KIT-related condition.
Hereditary cancer-predisposing syndrome. Also called: Neoplastic Syndromes, Hereditary; Hereditary Cancer Syndrome; Hereditary neoplastic syndrome; Tumor predisposition. Identifiers: Orphanet 140162, MedGen C0027672, MeSH D009386, MONDO:0015356.
Gastrointestinal stromal tumor. Also called: Gastrointestinal stromal tumor, somatic; Gastrointestinal stroma tumor. Identifiers: Orphanet 44890, MedGen C0238198, MeSH D046152, MONDO:0011719, OMIM 606764, HP:0100723.

Submissions (4):

Labcorp Genetics (formerly Invitae), Labcorp
Classification: Pathogenic for Gastrointestinal stromal tumor. Last evaluated: 2025-10-23. Review status: criteria provided, single submitter. Criteria: Invitae Variant Classification Sherloc (09022015). Collection method: clinical testing. Allele origin: germline.
Comment: This sequence change creates a premature translational stop signal (p.Ser251Argfs*24) in the KIT gene. It is expected to result in an absent or disrupted protein product. Loss-of-function variants in KIT are known to be pathogenic (PMID: 15194144). This variant is not present in population databases (gnomAD no frequency). This premature translational stop signal has been observed in individual(s) with piebaldism (PMID: 7694728). ClinVar contains an entry for this variant (Variation ID: 458966). For these reasons, this variant has been classified as Pathogenic.

Ambry Genetics
Classification: Likely benign for Hereditary cancer-predisposing syndrome. Last evaluated: 2025-08-06. Review status: criteria provided, single submitter. Criteria: Ambry Variant Classification Scheme 2023. Collection method: clinical testing. Allele origin: germline.

Revvity Omics, Revvity
Classification: Pathogenic. Last evaluated: 2019-04-18. Review status: criteria provided, single submitter. Criteria: ACMG Guidelines, 2015. Collection method: clinical testing. Allele origin: germline.

Blueprint Genetics
Classification: Pathogenic for KIT-related disorders. Last evaluated: 2018-05-03. Review status: criteria provided, single submitter. Criteria: ACMG Guidelines, 2015. Collection method: clinical testing. Allele origin: germline. Affected: yes. Observed: 1 variant allele.

Literature cited by the submitters: PubMed 15194144 (cited by Labcorp Genetics (formerly Invitae), Labcorp); PubMed 7694728 (cited by Labcorp Genetics (formerly Invitae), Labcorp and Ambry Genetics).